The following is an entry in ClinVar:

ClinVar aggregate classification (germline): Likely benign (0 of 4 stars; one submission).

Conditions:
PPP2R3A-related disorder. Also called: PPP2R3A-related condition.

Allele frequency attached by ClinVar (database versions not stated): 1000 Genomes Project 30x 0.00203; 1000 Genomes Project 0.00220; ExAC 0.00326; ESP Exome Variant Server 0.00377; gnomAD 0.00378; gnomAD exomes 0.00392; TOPMed 0.00431.
gnomAD v4.1: 6,324 of 1,614,154 alleles (0.39%); highest among the groups gnomAD compares: Middle Eastern, 2.1%; 23 homozygotes.

Submission:

PreventionGenetics, part of Exact Sciences
Classification: Likely benign for PPP2R3A-related condition. Last evaluated: 2019-04-25. Review status: no assertion criteria provided. Collection method: clinical testing. Allele origin: germline.
Comment: This variant is classified as likely benign based on ACMG/AMP sequence variant interpretation guidelines (Richards et al. 2015 PMID: 25741868, with internal and published modifications).

NM_002718.5(PPP2R3A):c.323A>G (p.Asn108Ser)

Gene: PPP2R3A (protein phosphatase 2 regulatory subunit B''alpha; plus strand). Cytogenetic location: 3q22.3.
Variant type: single nucleotide variant.
Coding change: c.323A>G on transcript NM_002718.5 (MANE Select); coding-DNA position 323, A replaced by G.
Protein change: p.Asn108Ser; replaces asparagine 108 with serine.
Molecular consequence: missense variant. On other transcripts: intron variant (1).
Genome position (GRCh38, 1-based): chr3:136,001,821, A>G. VCF-style: chr3-136001821-A-G. GRCh37 (hg19) VCF-style: chr3-135720663-A-G.
Other names: c.-213-25011A>G (NM_001190447.2); short protein forms N108S.
Identifiers: ClinVar variation 3038993 (VCV003038993.2), dbSNP rs36020282, ClinGen allele CA2630385.